The following is an entry in ClinVar:

NM_002382.5(MAX):c.172-6186T>G

Gene: MAX (MYC associated transcriptional regulator X; minus strand). Cytogenetic location: 14q23.3.
Variant type: single nucleotide variant.
Coding change: c.172-6186T>G on transcript NM_002382.5 (MANE Select); 6186 bases into the intron before coding-DNA position 172, T replaced by G.
Molecular consequence: intron variant. On other transcripts: missense variant (3), 3 prime UTR variant (1), non-coding transcript variant (4).
Genome position (GRCh38, 1-based): chr14:65,084,222, A>C on the plus strand (T>G on the coding strand, the complement: MAX is on the minus strand). VCF-style: chr14-65084222-A-C. GRCh37 (hg19) VCF-style: chr14-65550940-A-C.
Other names: c.-103-6186T>G (NM_001407105.1, NM_001407106.1, NM_001407107.1 and 1 more transcripts); c.-196-6186T>G (NM_001407111.1, NM_001407112.1); c.172-6186T>G (NM_001407097.1, NM_001407094.1, NM_001407104.1 and 3 more transcripts); c.222T>G, p.Ile74Met (NM_001271068.2, NM_001407113.1); c.*23T>G (NM_001407114.1); c.249T>G, p.Ile83Met (NM_145114.3); c.144+9486T>G (NM_001271069.2); c.171+9486T>G (NM_197957.4); and 2 more; short protein forms I74M, I83M.
Identifiers: ClinVar variation 5023973 (VCV005023973.1).

ClinVar aggregate classification (germline): Uncertain significance (1 of 4 stars; one submission).

Conditions:
Hereditary cancer-predisposing syndrome. Also called: Neoplastic Syndromes, Hereditary; Tumor predisposition; Hereditary neoplastic syndrome; Hereditary Cancer Syndrome. Identifiers: Orphanet 140162, MedGen C0027672, MeSH D009386, MONDO:0015356.

gnomAD v4.1: 1 of 1,614,102 alleles (0.000062%); highest among the groups gnomAD compares: Non-Finnish European, 0.000085%; no homozygotes.

Submission:

Ambry Genetics
Classification: Uncertain significance for Hereditary cancer-predisposing syndrome. Last evaluated: 2026-07-07. Review status: criteria provided, single submitter. Criteria: Ambry Variant Classification Scheme 2023. Collection method: clinical testing. Allele origin: germline.
Comment: The p.I83M variant (also known as c.249T>G), located in coding exon 4 of the MAX gene, results from a T to G substitution at nucleotide position 249. The isoleucine at codon 83 is replaced by methionine, an amino acid with highly similar properties. This amino acid position is conserved. In addition, this alteration is predicted to be tolerated by in silico analysis. Based on the available evidence, the clinical significance of this variant remains unclear.